The following is an entry in ClinVar:

NM_001099289.3(SH3RF3):c.271G>C (p.Glu91Gln)

Genes: RANBP2 (RAN binding protein 2; plus strand), SH3RF3 (SH3 domain containing ring finger 3; plus strand), SH3RF3-AS1 (SH3RF3 antisense RNA 1; minus strand). Cytogenetic location: 2q13.
Variant type: single nucleotide variant.
Coding change: c.271G>C on transcript NM_001099289.3 (MANE Select); coding-DNA position 271, G replaced by C.
Protein change: p.Glu91Gln; replaces glutamic acid 91 with glutamine.
Molecular consequence: missense variant. On other transcripts: non-coding transcript variant (1).
Genome position (GRCh38, 1-based): chr2:109,129,811, G>C. VCF-style: chr2-109129811-G-C. GRCh37 (hg19) VCF-style: chr2-109746267-G-C.
Other names: short protein forms E91Q.
Identifiers: ClinVar variation 3795450 (VCV003795450.1).

ClinVar aggregate classification (germline): Uncertain significance (1 of 4 stars; one submission).

gnomAD v4.1: 7 of 1,537,900 alleles (0.00046%); highest among the groups gnomAD compares: Non-Finnish European, 0.00061%; no homozygotes.

Submission:

Ambry Genetics
Classification: Uncertain significance. Last evaluated: 2025-02-12. Review status: criteria provided, single submitter. Criteria: Ambry Variant Classification Scheme 2023. Collection method: clinical testing. Allele origin: germline.
Comment: The c.271G>C (p.E91Q) alteration is located in exon (coding exon ) of the SH3RF3 gene. This alteration results from a G to C substitution at nucleotide position 271, causing the glutamic acid (E) at amino acid position 91 to be replaced by a glutamine (Q). Based on insufficient or conflicting evidence, the clinical significance of this alteration remains unclear.